The following is an entry in ClinVar:

ClinVar aggregate classification (germline): Conflicting classifications of pathogenicity. Review status: criteria provided, conflicting classifications (1 of 4 stars). 5 submissions from 5 submitters: Uncertain significance (4); Benign (1). Last evaluated 2025-09-09.

Conditions:
Familial adenomatous polyposis 2. Also called: Adenomas, multiple colorectal; MUTYH Polyposis; COLORECTAL ADENOMATOUS POLYPOSIS, AUTOSOMAL RECESSIVE; ADENOMAS, MULTIPLE COLORECTAL, AUTOSOMAL RECESSIVE; MUTYH-associated polyposis; MUTYH-related attenuated familial adenomatous polyposis. Identifiers: Orphanet 220460, Orphanet 247798, MedGen C3272841, MONDO:0012041, OMIM 608456.
Hereditary cancer-predisposing syndrome. Also called: Neoplastic Syndromes, Hereditary; Tumor predisposition; Hereditary Cancer Syndrome; Hereditary neoplastic syndrome. Identifiers: Orphanet 140162, MedGen C0027672, MeSH D009386, MONDO:0015356.

Allele frequency attached by ClinVar (database versions not stated): gnomAD exomes below 0.00001; ExAC 0.00001.
gnomAD v4.1: 1 of 1,612,228 alleles (0.000062%); highest among the groups gnomAD compares: Admixed American, 0.0017%; no homozygotes.

Submissions (5):

Ambry Genetics
Classification: Benign for Hereditary cancer-predisposing syndrome. Last evaluated: 2025-09-09. Review status: criteria provided, single submitter. Criteria: Ambry Variant Classification Scheme 2023. Collection method: clinical testing. Allele origin: germline.

Color Diagnostics, LLC DBA Color Health
Classification: Uncertain significance for Hereditary cancer-predisposing syndrome. Last evaluated: 2024-03-06. Review status: criteria provided, single submitter. Criteria: ACMG Guidelines, 2015. Collection method: clinical testing. Allele origin: germline.
Comment: This missense variant replaces aspartic acid with glutamic acid at codon 350 of the MUTYH protein. Computational prediction suggests that this variant may not impact protein structure and function (internally defined REVEL score threshold <= 0.5, PMID: 27666373). To our knowledge, functional studies have not been reported for this variant. This variant has not been reported in individuals affected with MUTYH-related disorders in the literature. This variant has been identified in 1/246384 chromosomes in the general population by the Genome Aggregation Database (gnomAD). The available evidence is insufficient to determine the role of this variant in disease conclusively. Therefore, this variant is classified as a Variant of Uncertain Significance.

All of Us Research Program, National Institutes of Health
Classification: Uncertain significance for Familial adenomatous polyposis 2. Last evaluated: 2023-06-26. Review status: criteria provided, single submitter. Criteria: ACMG Guidelines, 2015. Collection method: clinical testing. Allele origin: germline. Inheritance: Autosomal recessive inheritance. Observed: 1 variant allele, 1 heterozygote.
Comment: This missense variant replaces aspartic acid with glutamic acid at codon 350 of the MUTYH protein. Computational prediction tool suggests that this variant may not impact protein structure and function (internally defined REVEL score threshold <=0.5, PMID: 27666373). Splice site prediction tools suggest that this variant may not impact RNA splicing. To our knowledge, functional studies have not been performed for this variant. This variant has not been reported in individuals affected with hereditary cancer in the literature. This variant has been identified in 1/246384 chromosomes in the general population by the Genome Aggregation Database (gnomAD). The available evidence is insufficient to determine the role of this variant in disease conclusively. Therefore, this variant is classified as a Variant of Uncertain Significance.

This study involves interpretation of variants in research participants for the purpose of population health screening. Participant phenotype was not available at the time of variant classification. Additional details can be found in publication PMID: 35346344, PMCID: PMC8962531

Baylor Genetics
Classification: Uncertain significance for Familial adenomatous polyposis 2. Last evaluated: 2023-05-12. Review status: criteria provided, single submitter. Criteria: ACMG Guidelines, 2015. Collection method: clinical testing. Allele origin: unknown.

Labcorp Genetics (formerly Invitae), Labcorp
Classification: Uncertain significance for Familial adenomatous polyposis 2. Last evaluated: 2022-11-24. Review status: criteria provided, single submitter. Criteria: Invitae Variant Classification Sherloc (09022015). Collection method: clinical testing. Allele origin: germline.
Comment: This sequence change replaces aspartic acid, which is acidic and polar, with glutamic acid, which is acidic and polar, at codon 350 of the MUTYH protein (p.Asp350Glu). The frequency data for this variant in the population databases is considered unreliable, as metrics indicate poor data quality at this position in the gnomAD database. This variant has not been reported in the literature in individuals affected with MUTYH-related conditions. ClinVar contains an entry for this variant (Variation ID: 926218). Algorithms developed to predict the effect of missense changes on protein structure and function (SIFT, PolyPhen-2, Align-GVGD) all suggest that this variant is likely to be tolerated. In summary, the available evidence is currently insufficient to determine the role of this variant in disease. Therefore, it has been classified as a Variant of Uncertain Significance.

Literature cited by the submitters: PubMed 40738107 (cited by Ambry Genetics).

NM_001048174.2(MUTYH):c.966C>A (p.Asp322Glu)

Gene: MUTYH (mutY DNA glycosylase; minus strand). Cytogenetic location: 1p34.1.
Variant type: single nucleotide variant.
Coding change: c.966C>A on transcript NM_001048174.2 (MANE Select); coding-DNA position 966, C replaced by A.
Protein change: p.Asp322Glu; replaces aspartic acid 322 with glutamic acid.
Molecular consequence: missense variant. On other transcripts: non-coding transcript variant (2).
Genome position (GRCh38, 1-based): chr1:45,331,797, G>T on the plus strand (C>A on the coding strand, the complement: MUTYH is on the minus strand). VCF-style: chr1-45331797-G-T. GRCh37 (hg19) VCF-style: chr1-45797469-G-T.
Other names: c.966C>A, p.Asp322Glu (NM_001048171.2, NM_001048173.2, NM_001293195.2); c.969C>A, p.Asp323Glu (NM_001048172.2); c.1050C>A, p.Asp350Glu (NM_001128425.2); c.1011C>A, p.Asp337Glu (NM_001293190.2); c.999C>A, p.Asp333Glu (NM_001293191.2); c.690C>A, p.Asp230Glu (NM_001293192.2, NM_001293196.2); c.621C>A, p.Asp207Glu (NM_001350650.2, NM_001350651.2); c.1041C>A, p.Asp347Glu (NM_012222.3); short protein forms D322E, D323E, D337E, D350E, D333E, D347E, D207E, D230E.
Identifiers: ClinVar variation 926218 (VCV000926218.14), dbSNP rs772199096, ClinGen allele CA060205.